The following is an entry in ClinVar:

NM_000057.4(BLM):c.2308-17A>G

Gene: BLM (BLM RecQ like helicase; plus strand). Cytogenetic location: 15q26.1.
Variant type: single nucleotide variant.
Coding change: c.2308-17A>G on transcript NM_000057.4 (MANE Select); 17 bases into the intron before coding-DNA position 2308, A replaced by G.
Molecular consequence: intron variant.
Genome position (GRCh38, 1-based): chr15:90,769,116, A>G. VCF-style: chr15-90769116-A-G. GRCh37 (hg19) VCF-style: chr15-91312346-A-G.
Other names: c.2308-17A>G (NM_001287246.2, NM_001287247.2); c.1183-17A>G (NM_001287248.2).
Identifiers: ClinVar variation 1930709 (VCV001930709.5), dbSNP rs1242036150, ClinGen allele CA619578623.

ClinVar aggregate classification (germline): Uncertain significance (1 of 4 stars; one submission).

Conditions:
Bloom syndrome (BLM). Also called: Bloom-Torre-Machacek syndrome. Identifiers: Orphanet 125, MedGen C0005859, MONDO:0008876, OMIM 210900.

Allele frequency attached by ClinVar (database versions not stated): gnomAD 0.00001.
gnomAD v4.1: 3 of 1,548,724 alleles (0.00019%); highest among the groups gnomAD compares: African/African-American, 0.0041%; no homozygotes.

Submission:

Labcorp Genetics (formerly Invitae), Labcorp
Classification: Uncertain significance for Bloom syndrome. Last evaluated: 2025-07-14. Review status: criteria provided, single submitter. Criteria: Invitae Variant Classification Sherloc (09022015). Collection method: clinical testing. Allele origin: germline.
Comment: This sequence change falls in intron 10 of the BLM gene. It does not directly change the encoded amino acid sequence of the BLM protein. This variant is present in population databases (no rsID available, gnomAD 0.008%). This variant has not been reported in the literature in individuals affected with BLM-related conditions. ClinVar contains an entry for this variant (Variation ID: 1930709). Studies have shown that this variant is associated with inconclusive levels of altered splicing (internal data). In summary, the available evidence is currently insufficient to determine the role of this variant in disease. Therefore, it has been classified as a Variant of Uncertain Significance.